The following is an entry in ClinVar:

ClinVar aggregate classification (germline): Uncertain significance. Review status: criteria provided, multiple submitters, no conflicts (2 of 4 stars). 2 submissions from 2 submitters: Uncertain significance (2). Last evaluated 2023-09-12.

Conditions:
Inborn genetic diseases. Identifiers: MedGen C0950123, MeSH D030342.
Mucopolysaccharidosis type 7 (MPS7). Also called: BETA-GLUCURONIDASE DEFICIENCY; MPS VII; SLY SYNDROME; GUSB DEFICIENCY. Identifiers: Orphanet 584, MedGen C0085132, MONDO:0009662, OMIM 253220.

Allele frequency attached by ClinVar (database versions not stated): ExAC 0.00002; gnomAD 0.00002 and 0.00003; gnomAD exomes 0.00002; TOPMed 0.00002; 1000 Genomes Project 30x 0.00016; 1000 Genomes Project 0.00020.

Submissions (2):

Ambry Genetics
Classification: Uncertain significance for Inborn genetic diseases. Last evaluated: 2023-09-12. Review status: criteria provided, single submitter. Criteria: Ambry Variant Classification Scheme 2023. Collection method: clinical testing. Allele origin: germline.

Labcorp Genetics (formerly Invitae), Labcorp
Classification: Uncertain significance for Mucopolysaccharidosis type 7. Last evaluated: 2022-07-05. Review status: criteria provided, single submitter. Criteria: Invitae Variant Classification Sherloc (09022015). Collection method: clinical testing. Allele origin: germline.
Comment: This sequence change replaces valine, which is neutral and non-polar, with isoleucine, which is neutral and non-polar, at codon 233 of the GUSB protein (p.Val233Ile). This variant is present in population databases (rs202210104, gnomAD 0.007%). This variant has not been reported in the literature in individuals affected with GUSB-related conditions. ClinVar contains an entry for this variant (Variation ID: 639505). Algorithms developed to predict the effect of missense changes on protein structure and function output the following: SIFT: "Tolerated"; PolyPhen-2: "Benign"; Align-GVGD: "Class C0". The isoleucine amino acid residue is found in multiple mammalian species, which suggests that this missense change does not adversely affect protein function. In summary, the available evidence is currently insufficient to determine the role of this variant in disease. Therefore, it has been classified as a Variant of Uncertain Significance.

NM_000181.4(GUSB):c.697G>A (p.Val233Ile)

Gene: GUSB (glucuronidase beta; minus strand). Cytogenetic location: 7q11.21.
Variant type: single nucleotide variant.
Coding change: c.697G>A on transcript NM_000181.4 (MANE Select); coding-DNA position 697, G replaced by A.
Protein change: p.Val233Ile; replaces valine 233 with isoleucine.
Molecular consequence: missense variant. On other transcripts: non-coding transcript variant (1), intron variant (2).
Genome position (GRCh38, 1-based): chr7:65,979,426, C>T on the plus strand (G>A on the coding strand, the complement: GUSB is on the minus strand). VCF-style: chr7-65979426-C-T. GRCh37 (hg19) VCF-style: chr7-65444413-C-T.
Other names: c.127G>A, p.Val43Ile (NM_001293104.2); c.67+798G>A (NM_001293105.2); c.474+408G>A (NM_001284290.2); short protein forms V43I, V233I.
Identifiers: ClinVar variation 639505 (VCV000639505.7), dbSNP rs202210104, ClinGen allele CA4276556.